The following is an entry in ClinVar:

NM_002087.4(GRN):c.933+5C>T

Gene: GRN (granulin precursor; plus strand). Cytogenetic location: 17q21.31.
Variant type: single nucleotide variant.
Coding change: c.933+5C>T on transcript NM_002087.4 (MANE Select); 5 bases into the intron after coding-DNA position 933, C replaced by T.
Molecular consequence: intron variant.
Genome position (GRCh38, 1-based): chr17:44,351,465, C>T. VCF-style: chr17-44351465-C-T. GRCh37 (hg19) VCF-style: chr17-42428833-C-T.
Identifiers: ClinVar variation 1962117 (VCV001962117.5), dbSNP rs772281121, ClinGen allele CA626224191.

ClinVar aggregate classification (germline): Uncertain significance (1 of 4 stars; one submission).

Conditions:
Neuronal ceroid lipofuscinosis 11. Also called: GRN-Related Neuronal Ceroid-Lipofuscinosis. Identifiers: Orphanet 314629, Orphanet 79262, MedGen C3539123, MONDO:0013866, OMIM 614706.
GRN-related frontotemporal lobar degeneration with Tdp43 inclusions (FTD2). Also called: GRN Frontotemporal Dementia; FRONTOTEMPORAL DEMENTIA WITH TDP43 INCLUSIONS, GRN-RELATED; DEMENTIA, HEREDITARY DYSPHASIC DISINHIBITION; FRONTOTEMPORAL LOBAR DEGENERATION WITH UBIQUITIN-POSITIVE INCLUSIONS; FTLD-TDP, GRN-RELATED. Identifiers: Orphanet 100070, Orphanet 282, MedGen C1843792, MONDO:0011842, OMIM 607485. Disease mechanism: loss of function.

Submission:

Labcorp Genetics (formerly Invitae), Labcorp
Classification: Uncertain significance for Neuronal ceroid lipofuscinosis 11; GRN-related frontotemporal lobar degeneration with Tdp43 inclusions. Last evaluated: 2022-11-01. Review status: criteria provided, single submitter. Criteria: Invitae Variant Classification Sherloc (09022015). Collection method: clinical testing. Allele origin: germline.
Comment: This sequence change falls in intron 9 of the GRN gene. It does not directly change the encoded amino acid sequence of the GRN protein. It affects a nucleotide within the consensus splice site. This variant is present in population databases (no rsID available, gnomAD 0.003%). This variant has not been reported in the literature in individuals affected with GRN-related conditions. Variants that disrupt the consensus splice site are a relatively common cause of aberrant splicing (PMID: 17576681, 9536098). Algorithms developed to predict the effect of sequence changes on RNA splicing suggest that this variant is not likely to affect RNA splicing. In summary, the available evidence is currently insufficient to determine the role of this variant in disease. Therefore, it has been classified as a Variant of Uncertain Significance.

Literature cited by the submitters: PubMed 17576681; PubMed 9536098.